The following is an entry in ClinVar:

ClinVar aggregate classification (germline): Uncertain significance (1 of 4 stars; one submission).

Conditions:
Singleton-Merten syndrome 1 (SGMRT1). Also called: Widened medullary cavities of bone, aortic calcification, abnormal dentition, and muscular weakness; Syndrome of widened medullary cavities of the metacarpals and phalanges, aortic calcification and abnormal dentition. Identifiers: Orphanet 85191, MedGen C4225427, MONDO:0024535, OMIM 182250.
Aicardi-Goutieres syndrome 7 (AGS7). Identifiers: Orphanet 51, MedGen C3888244, MONDO:0014367, OMIM 615846.

Submission:

Labcorp Genetics (formerly Invitae), Labcorp
Classification: Uncertain significance for Aicardi-Goutieres syndrome 7; Singleton-Merten syndrome 1. Last evaluated: 2024-05-29. Review status: criteria provided, single submitter. Criteria: Invitae Variant Classification Sherloc (09022015). Collection method: clinical testing. Allele origin: germline.
Comment: This sequence change replaces asparagine, which is neutral and polar, with isoleucine, which is neutral and non-polar, at codon 899 of the IFIH1 protein (p.Asn899Ile). This variant is not present in population databases (gnomAD no frequency). This variant has not been reported in the literature in individuals affected with IFIH1-related conditions. Advanced modeling of protein sequence and biophysical properties (such as structural, functional, and spatial information, amino acid conservation, physicochemical variation, residue mobility, and thermodynamic stability) has been performed at Invitae for this missense variant, however the output from this modeling did not meet the statistical confidence thresholds required to predict the impact of this variant on IFIH1 protein function. In summary, the available evidence is currently insufficient to determine the role of this variant in disease. Therefore, it has been classified as a Variant of Uncertain Significance.

NM_022168.4(IFIH1):c.2696A>T (p.Asn899Ile)

Gene: IFIH1 (interferon induced with helicase C domain 1; minus strand). Cytogenetic location: 2q24.2.
Variant type: single nucleotide variant.
Coding change: c.2696A>T on transcript NM_022168.4 (MANE Select); coding-DNA position 2696, A replaced by T.
Protein change: p.Asn899Ile; replaces asparagine 899 with isoleucine.
Molecular consequence: missense variant.
Genome position (GRCh38, 1-based): chr2:162,268,198, T>A on the plus strand (A>T on the coding strand, the complement: IFIH1 is on the minus strand). VCF-style: chr2-162268198-T-A. GRCh37 (hg19) VCF-style: chr2-163124708-T-A.
Other names: short protein forms N899I.
Identifiers: ClinVar variation 3753616 (VCV003753616.2).
Genomic context (GRCh38, chr2:162,268,198, plus strand): 5'-TCTTCCCCAGAACAGGCTAGCACACTGCAGTTTTTGCAAAGGAAAGTTATTAGTGATGGG[T>A]TATTCTTGTAATGCTTGGCAATATTTCTCTTGGTTTTCATTTTCTTTTCCATTATACTTT-3'
Protein context (NP_071451.2, residues 889-909): KRNIAKHYKN[Asn899Ile]PSLITFLCKN